The following is an entry in ClinVar:

NM_014207.4(CD5):c.671C>T (p.Pro224Leu)

Gene: CD5 (CD5 molecule; plus strand). Cytogenetic location: 11q12.2.
Variant type: single nucleotide variant.
Coding change: c.671C>T on transcript NM_014207.4 (MANE Select); coding-DNA position 671, C replaced by T.
Protein change: p.Pro224Leu; replaces proline 224 with leucine.
Molecular consequence: missense variant.
Genome position (GRCh38, 1-based): chr11:61,119,441, C>T. VCF-style: chr11-61119441-C-T. GRCh37 (hg19) VCF-style: chr11-60886913-C-T.
Other names: c.500C>T, p.Pro167Leu (NM_001346456.2); short protein forms P167L, P224L.
Identifiers: ClinVar variation 1226331 (VCV001226331.4), dbSNP rs2241002, ClinGen allele CA6030603.

ClinVar aggregate classification (germline): Benign. Review status: criteria provided, multiple submitters, no conflicts (2 of 4 stars). 2 submissions from 2 submitters: Benign (2). Last evaluated 2019-01-18.

Allele frequency attached by ClinVar (database versions not stated): gnomAD exomes 0.14964 and 0.17143; ExAC 0.15431; 1000 Genomes Project 0.17192; 1000 Genomes Project 30x 0.17692; gnomAD 0.18836 and 0.19271; TOPMed 0.19689; ESP Exome Variant Server 0.20978.
gnomAD v4.1: 278,945 of 1,613,996 alleles (17%); highest among the groups gnomAD compares: African/African-American, 28%; 25,825 homozygotes.

Submissions (2):

GeneDx
Classification: Benign. Last evaluated: 2019-01-18. Review status: criteria provided, single submitter. Criteria: GeneDx Variant Classification Process June 2021. Collection method: clinical testing. Allele origin: germline. Affected: yes.
Comment: This variant is associated with the following publications: (PMID: 27169428)

Breakthrough Genomics
Classification: Benign. Review status: criteria provided, single submitter. Criteria: ACMG Guidelines, 2015. Collection method: not provided. Allele origin: germline. Inheritance: Unknown mechanism. Affected: yes.